The following is an entry in ClinVar:

NM_001369268.1(ACAN):c.1708T>C (p.Tyr570His)

Gene: ACAN (aggrecan; plus strand). Cytogenetic location: 15q26.1.
Variant type: single nucleotide variant.
Coding change: c.1708T>C on transcript NM_001369268.1 (MANE Select); coding-DNA position 1708, T replaced by C.
Protein change: p.Tyr570His; replaces tyrosine 570 with histidine.
Molecular consequence: missense variant.
Genome position (GRCh38, 1-based): chr15:88,848,014, T>C. VCF-style: chr15-88848014-T-C. GRCh37 (hg19) VCF-style: chr15-89391245-T-C.
Other names: c.1708T>C, p.Tyr570His (NM_001135.4, NM_001411096.1, NM_001411097.1 and 1 more transcripts); c.1708T>C (NM_013227.3); short protein forms Y570H.
Identifiers: ClinVar variation 2149816 (VCV002149816.5), dbSNP rs762824937, ClinGen allele CA7719646.
Genomic context (GRCh38, chr15:88,848,014, plus strand): 5'-GACAGCAGCCCAGGGGTCAGGACCTATGGCGTGCGCCCATCAACAGAGACCTACGATGTC[T>C]ACTGCTTTGTAGACAGACTTGAGGGTACAAGCCACATTCTCACATTTCGGGCCCTAGATG-3'
Protein context (NP_001356197.1, residues 560-580): VRPSTETYDV[Tyr570His]CFVDRLEGEV

ClinVar aggregate classification (germline): Uncertain significance. Review status: criteria provided, single submitter (1 of 4 stars). 2 submissions from 2 submitters: Uncertain significance (1). 1 of the submissions does not count toward it. Last evaluated 2025-12-01.

Conditions:
Short stature and advanced bone age, with or without early-onset osteoarthritis and/or osteochondritis dissecans (SSOAOD). Identifiers: Orphanet 251262, MedGen C3665488, MONDO:0100462, OMIM 165800.

Allele frequency attached by ClinVar (database versions not stated): ExAC 0.00002; gnomAD 0.00002; gnomAD exomes 0.00002; TOPMed 0.00002.
gnomAD v4.1: 36 of 1,613,800 alleles (0.0022%); highest among the groups gnomAD compares: Middle Eastern, 0.016%; no homozygotes.

Submissions (2):

Labcorp Genetics (formerly Invitae), Labcorp
Classification: Uncertain significance. Last evaluated: 2025-12-01. Review status: criteria provided, single submitter. Criteria: Invitae Variant Classification Sherloc (09022015). Collection method: clinical testing. Allele origin: germline.
Comment: This sequence change replaces tyrosine, which is neutral and polar, with histidine, which is basic and polar, at codon 570 of the ACAN protein (p.Tyr570His). This variant is present in population databases (rs762824937, gnomAD 0.004%). This missense change has been observed in individual(s) with ACAN-related conditions (PMID: 40987814). ClinVar contains an entry for this variant (Variation ID: 2149816). Invitae Evidence Modeling of protein sequence and biophysical properties (such as structural, functional, and spatial information, amino acid conservation, physicochemical variation, residue mobility, and thermodynamic stability) indicates that this missense variant is not expected to disrupt ACAN protein function with a negative predictive value of 80%. In summary, the available evidence is currently insufficient to determine the role of this variant in disease. Therefore, it has been classified as a Variant of Uncertain Significance.

Autoinflammatory diseases unit, CHU de Montpellier
Classification: Likely pathogenic for Short stature and advanced bone age, with or without early-onset osteoarthritis and/or osteochondritis dissecans. Last evaluated: 2024-03-29. Review status: no assertion criteria provided. Collection method: clinical testing. Allele origin: inherited. Affected: yes. Not counted in ClinVar's aggregate classification.

Literature cited by the submitters: PubMed 40987814 (cited by Labcorp Genetics (formerly Invitae), Labcorp).